The following is an entry in ClinVar:

ClinVar aggregate classification (germline): Conflicting classifications of pathogenicity. Review status: criteria provided, conflicting classifications (1 of 4 stars). 4 submissions from 4 submitters: Likely pathogenic (2); Uncertain significance (1). 1 of the submissions does not count toward it. Last evaluated 2025-08-25.

Conditions:
PKHD1-related disorder. Also called: PKHD1-related condition.
Polycystic kidney disease 4 (PKD4). Also called: Autosomal Recessive Polycystic Kidney Disease – PKHD1; PKD3; POLYCYSTIC KIDNEY DISEASE 4 WITH OR WITHOUT POLYCYSTIC LIVER DISEASE; POLYCYSTIC KIDNEY AND HEPATIC DISEASE 1; POLYCYSTIC KIDNEY DISEASE, INFANTILE, TYPE I. Identifiers: MedGen C4540575, MONDO:0033004, OMIM 263200.

Allele frequency attached by ClinVar (database versions not stated): gnomAD exomes 0.00004 and 0.00005; ExAC 0.00010.
gnomAD v4.1: 34 of 1,613,654 alleles (0.0021%); highest among the groups gnomAD compares: Non-Finnish European, 0.0019%; no homozygotes.

Submissions (4):

Myriad Genetics, Inc.
Classification: Uncertain significance for Polycystic kidney disease 4. Last evaluated: 2025-08-25. Review status: criteria provided, single submitter. Criteria: Myriad Autosomal Dominant, Autosomal Recessive and X-Linked Classification Criteria (2023). Collection method: clinical testing. Allele origin: unknown.
Comment: NM_138694.3(PKHD1):c.5963T>C(I1988T) is a missense variant classified as a variant of uncertain significance in the context of autosomal recessive polycystic kidney disease, PKHD1-related. I1988T has been observed in a case with relevant disease (PMID: 16523049). Relevant functional assessments of this variant are not available in the literature. I1988T has been observed in referenced population frequency databases. In summary, there is insufficient evidence to classify NM_138694.3(PKHD1):c.5963T>C(I1988T) as pathogenic or benign. Please note: this variant was assessed in the context of healthy population screening.

GeneDx
Classification: Likely pathogenic. Last evaluated: 2024-10-10. Review status: criteria provided, single submitter. Criteria: GeneDx Variant Classification Process June 2021. Collection method: clinical testing. Allele origin: germline. Affected: yes.
Comment: In silico analysis supports that this missense variant has a deleterious effect on protein structure/function; Not observed at significant frequency in large population cohorts (gnomAD); This variant is associated with the following publications: (PMID: 19176689, 16523049)

Blueprint Genetics
Classification: Likely pathogenic for PKHD1-related disorders. Last evaluated: 2024-08-27. Review status: criteria provided, single submitter. Criteria: ACMG Guidelines, 2015. Collection method: clinical testing. Allele origin: germline. Affected: yes. Observed: 4 variant alleles.

Counsyl
Classification: Uncertain significance for Polycystic kidney disease 4. Last evaluated: 2017-07-28. Review status: no assertion criteria provided. Collection method: clinical testing. Allele origin: unknown. Not counted in ClinVar's aggregate classification.

Literature cited by the submitters: PubMed 16523049 (cited by Myriad Genetics, Inc. and Counsyl).

NM_138694.4(PKHD1):c.5963T>C (p.Ile1988Thr)

Gene: PKHD1 (PKHD1 ciliary IPT domain containing fibrocystin/polyductin; minus strand). Cytogenetic location: 6p12.2.
Variant type: single nucleotide variant.
Coding change: c.5963T>C on transcript NM_138694.4 (MANE Select); coding-DNA position 5963, T replaced by C.
Protein change: p.Ile1988Thr; replaces isoleucine 1988 with threonine.
Molecular consequence: missense variant.
Genome position (GRCh38, 1-based): chr6:51,934,268, A>G on the plus strand (T>C on the coding strand, the complement: PKHD1 is on the minus strand). VCF-style: chr6-51934268-A-G. GRCh37 (hg19) VCF-style: chr6-51799066-A-G.
Other names: c.5963T>C, p.Ile1988Thr (NM_170724.3); short protein forms I1988T.
Identifiers: ClinVar variation 553135 (VCV000553135.5), dbSNP rs770492164, ClinGen allele CA3852369.